The following is an entry in ClinVar:

NM_000051.4(ATM):c.2922-21T>G

Gene: ATM (ATM serine/threonine kinase; plus strand). Cytogenetic location: 11q22.3.
Variant type: single nucleotide variant.
Coding change: c.2922-21T>G on transcript NM_000051.4 (MANE Select); 21 bases into the intron before coding-DNA position 2922, T replaced by G.
Molecular consequence: intron variant.
Genome position (GRCh38, 1-based): chr11:108,271,230, T>G. VCF-style: chr11-108271230-T-G. GRCh37 (hg19) VCF-style: chr11-108141957-T-G.
Other names: c.2922-21T>G (NM_001351834.2).
Identifiers: ClinVar variation 136438 (VCV000136438.12), dbSNP rs149096247, ClinGen allele CA289551.
Genomic context (GRCh38, chr11:108,271,230, plus strand): 5'-ATGTTCACTTTAAAGTTATAAAATAACTGATGTGTTCTGTTAAGCTTATAAAGTTGAACT[T>G]TTTTTTTTTTTTTACCACAGCAATGTGTGTTCTTTGTATCGTCGTGACCAAGATGTTTGT-3'

ClinVar aggregate classification (germline): Benign. Review status: criteria provided, multiple submitters, no conflicts (2 of 4 stars). 7 submissions from 7 submitters: Benign (7). Last evaluated 2025-03-04.

Conditions:
Hereditary cancer-predisposing syndrome. Also called: Tumor predisposition; Hereditary neoplastic syndrome; Neoplastic Syndromes, Hereditary; Hereditary Cancer Syndrome. Identifiers: Orphanet 140162, MedGen C0027672, MeSH D009386, MONDO:0015356.
Familial cancer of breast. Also called: BREAST CANCER, FAMILIAL; Hereditary breast cancer; hereditary breast carcinoma. Identifiers: Orphanet 227535, MedGen C0346153, MONDO:0016419, OMIM 114480. Disease mechanism: loss of function.
Ataxia-telangiectasia syndrome (AT). Also called: ATAXIA-TELANGIECTASIA, COMPLEMENTATION GROUP A; ATAXIA-TELANGIECTASIA, FRESNO VARIANT; Ataxia-telangiectasia; LOUIS-BAR SYNDROME; Cerebello-oculocutaneous telangiectasia; Immunodeficiency with ataxia telangiectasia. Identifiers: Orphanet 100, MedGen C0004135, MONDO:0008840, OMIM 208900.
Hereditary breast ovarian cancer syndrome. Also called: Hereditary breast and ovarian cancer syndrome; Hereditary breast and ovarian cancer; Hereditary breast and ovarian cancer syndrome (HBOC); Breast and ovarian cancer; BRCA1- and BRCA2-Associated Hereditary Breast and Ovarian Cancer; Hereditary breast and/or ovarian cancer syndrome. Identifiers: Orphanet 145, MedGen C0677776, MeSH D061325, MONDO:0003582. Disease mechanism: loss of function.

Allele frequency attached by ClinVar (database versions not stated): gnomAD exomes 0.00291; ESP Exome Variant Server 0.00654; gnomAD 0.00791 and 0.00835; TOPMed 0.00839; 1000 Genomes Project 0.01098; 1000 Genomes Project 30x 0.01109; ExAC 0.07667.
gnomAD v4.1: 2,696 of 629,316 alleles (0.43%); highest among the groups gnomAD compares: African/African-American, 3.3%; 8 homozygotes.

Submissions (7):

Center for Genomic Medicine, Rigshospitalet, Copenhagen University Hospital
Classification: Benign. Last evaluated: 2025-03-04. Review status: criteria provided, single submitter. Criteria: ACMG Guidelines, 2015. Collection method: clinical testing. Allele origin: germline.

KCCC/NGS Laboratory, Kuwait Cancer Control Center
Classification: Benign for Familial cancer of breast. Last evaluated: 2023-07-07. Review status: criteria provided, single submitter. Criteria: ACMG Guidelines, 2015. Collection method: clinical testing. Allele origin: germline. Affected: yes.

National Health Laboratory Service, Universitas Academic Hospital and University of the Free State
Classification: Benign for Hereditary breast ovarian cancer syndrome. Last evaluated: 2022-04-19. Review status: criteria provided, single submitter. Criteria: ACMG Guidelines, 2015. Collection method: clinical testing. Allele origin: germline. Affected: yes. Observed: 21 variant alleles.

Fulgent Genetics
Classification: Benign for Familial cancer of breast; Ataxia-telangiectasia syndrome. Last evaluated: 2021-07-26. Review status: criteria provided, single submitter. Criteria: ACMG Guidelines, 2015. Collection method: clinical testing. Allele origin: unknown.

Color Diagnostics, LLC DBA Color Health
Classification: Benign for Hereditary cancer-predisposing syndrome. Last evaluated: 2016-09-19. Review status: criteria provided, single submitter. Criteria: ACMG Guidelines, 2015. Collection method: clinical testing. Allele origin: germline.

GeneDx
Classification: Benign. Last evaluated: 2014-08-25. Review status: criteria provided, single submitter. Criteria: GeneDx Variant Classification (06012015). Collection method: clinical testing. Allele origin: germline. Affected: yes.
Comment: This variant is considered likely benign or benign based on one or more of the following criteria: it is a conservative change, it occurs at a poorly conserved position in the protein, it is predicted to be benign by multiple in silico algorithms, and/or has population frequency not consistent with disease.

Breakthrough Genomics
Classification: Benign. Review status: criteria provided, single submitter. Criteria: ACMG Guidelines, 2015. Collection method: not provided. Allele origin: germline. Inheritance: Autosomal recessive inheritance. Affected: yes.